The following is an entry in ClinVar:

ClinVar aggregate classification (germline): Uncertain significance (1 of 4 stars; one submission).

Allele frequency attached by ClinVar (database versions not stated): gnomAD exomes below 0.00001.
gnomAD v4.1: 3 of 1,614,164 alleles (0.00019%); highest among the groups gnomAD compares: Non-Finnish European, 0.00017%; no homozygotes.

Submission:

Labcorp Genetics (formerly Invitae), Labcorp
Classification: Uncertain significance. Last evaluated: 2022-12-19. Review status: criteria provided, single submitter. Criteria: Invitae Variant Classification Sherloc (09022015). Collection method: clinical testing. Allele origin: germline.
Comment: In summary, the available evidence is currently insufficient to determine the role of this variant in disease. Therefore, it has been classified as a Variant of Uncertain Significance. Algorithms developed to predict the effect of missense changes on protein structure and function are either unavailable or do not agree on the potential impact of this missense change (SIFT: "Not Available"; PolyPhen-2: "Possibly Damaging"; Align-GVGD: "Not Available"). This variant has not been reported in the literature in individuals affected with RIPK1-related conditions. This variant is not present in population databases (gnomAD no frequency). This sequence change replaces lysine, which is basic and polar, with glutamic acid, which is acidic and polar, at codon 97 of the RIPK1 protein (p.Lys97Glu).

NM_001354930.2(RIPK1):c.289A>G (p.Lys97Glu)

Gene: RIPK1 (receptor interacting serine/threonine kinase 1; plus strand). Cytogenetic location: 6p25.2.
Variant type: single nucleotide variant.
Coding change: c.289A>G on transcript NM_001354930.2 (MANE Select); coding-DNA position 289, A replaced by G.
Protein change: p.Lys97Glu; replaces lysine 97 with glutamic acid.
Molecular consequence: missense variant. On other transcripts: 5 prime UTR variant (4).
Genome position (GRCh38, 1-based): chr6:3,077,903, A>G. VCF-style: chr6-3077903-A-G. GRCh37 (hg19) VCF-style: chr6-3078137-A-G.
Other names: c.-315A>G (NM_001317061.3, NM_001354932.2, NM_001354933.2 and 1 more transcripts); c.289A>G, p.Lys97Glu (NM_001354931.2, NM_003804.6); short protein forms K97E.
Identifiers: ClinVar variation 2909725 (VCV002909725.3), dbSNP rs2533158829, ClinGen allele CA362575107.
Genomic context (GRCh38, chr6:3,077,903, plus strand): 5'-AAGCTCCTGGGCGTCATCATAGAGGAAGGGAAGTACTCCCTGGTGATGGAGTACATGGAG[A>G]AGGGCAACCTGATGCACGTGCTGAAAGCCGAGGTAGAGAGGGCCCCTCCGCACGGGGATC-3'
Protein context (NP_001341859.1, residues 87-107): KYSLVMEYME[Lys97Glu]GNLMHVLKAE